The following is an entry in ClinVar:

ClinVar aggregate classification (germline): Uncertain significance (1 of 4 stars; one submission).

Conditions:
Congenital contractural arachnodactyly (CCA). Also called: BEALS SYNDROME; Beals-Hecht syndrome; Arthrogryposis, distal, type 9. Identifiers: Orphanet 115, MedGen C0220668, MONDO:0007363, OMIM 121050.

Submission:

Labcorp Genetics (formerly Invitae), Labcorp
Classification: Uncertain significance for Congenital contractural arachnodactyly. Last evaluated: 2022-05-03. Review status: criteria provided, single submitter. Criteria: Invitae Variant Classification Sherloc (09022015). Collection method: clinical testing. Allele origin: germline.
Comment: Algorithms developed to predict the effect of missense changes on protein structure and function are either unavailable or do not agree on the potential impact of this missense change (SIFT: "Deleterious"; PolyPhen-2: "Probably Damaging"; Align-GVGD: "Class C0"). This sequence change replaces valine, which is neutral and non-polar, with phenylalanine, which is neutral and non-polar, at codon 1902 of the FBN2 protein (p.Val1902Phe). This variant is not present in population databases (gnomAD no frequency). This variant has not been reported in the literature in individuals affected with FBN2-related conditions. In summary, the available evidence is currently insufficient to determine the role of this variant in disease. Therefore, it has been classified as a Variant of Uncertain Significance.

NM_001999.4(FBN2):c.5704G>T (p.Val1902Phe)

Gene: FBN2 (fibrillin 2; minus strand). Cytogenetic location: 5q23.3.
Variant type: single nucleotide variant.
Coding change: c.5704G>T on transcript NM_001999.4 (MANE Select); coding-DNA position 5704, G replaced by T.
Protein change: p.Val1902Phe; replaces valine 1902 with phenylalanine.
Molecular consequence: missense variant.
Genome position (GRCh38, 1-based): chr5:128,305,053, C>A on the plus strand (G>T on the coding strand, the complement: FBN2 is on the minus strand). VCF-style: chr5-128305053-C-A. GRCh37 (hg19) VCF-style: chr5-127640745-C-A.
Other names: short protein forms V1902F.
Identifiers: ClinVar variation 2195087 (VCV002195087.4), dbSNP rs764783994, ClinGen allele CA360740047.
Genomic context (GRCh38, chr5:128,305,053, plus strand): 5'-CATTGTGGCAGATGCACTGGTAACTTCCTTGCAGATCAACACACAAGCCATGACTGCAAA[C>A]GTTAGGAATTTCTAAACATTCATTGCGATCTAAAACAGAAAAAAATAAATGTTACATGTA-3'
Protein context (NP_001990.2, residues 1892-1912): DRNECLEIPN[Val1902Phe]CSHGLCVDLQ